The following is an entry in ClinVar:

NM_001195129.2(PRSS56):c.1175G>C (p.Arg392Pro)

Gene: PRSS56 (serine protease 56; plus strand). Cytogenetic location: 2q37.1.
Variant type: single nucleotide variant.
Coding change: c.1175G>C on transcript NM_001195129.2 (MANE Select); coding-DNA position 1175, G replaced by C.
Protein change: p.Arg392Pro; replaces arginine 392 with proline.
Molecular consequence: missense variant.
Genome position (GRCh38, 1-based): chr2:232,523,934, G>C. VCF-style: chr2-232523934-G-C. GRCh37 (hg19) VCF-style: chr2-233388644-G-C.
Other names: c.1178G>C, p.Arg393Pro (NM_001369848.1); short protein forms R393P, R392P.
Identifiers: ClinVar variation 2202437 (VCV002202437.4), dbSNP rs2469703005, ClinGen allele CA350993045.

ClinVar aggregate classification (germline): Uncertain significance (1 of 4 stars; one submission).

Conditions:
Isolated microphthalmia 6. Also called: MICROPHTHALMIA, POSTERIOR NONSYNDROMIC. Identifiers: Orphanet 2542, MedGen C3150757, MONDO:0013293, OMIM 613517.

Allele frequency attached by ClinVar (database versions not stated): gnomAD exomes below 0.00001.
gnomAD v4.1: 2 of 1,507,326 alleles (0.00013%); highest among the groups gnomAD compares: Non-Finnish European, 0.00018%; no homozygotes.

Submission:

Labcorp Genetics (formerly Invitae), Labcorp
Classification: Uncertain significance for Isolated microphthalmia 6. Last evaluated: 2022-03-26. Review status: criteria provided, single submitter. Criteria: Invitae Variant Classification Sherloc (09022015). Collection method: clinical testing. Allele origin: germline.
Comment: In summary, the available evidence is currently insufficient to determine the role of this variant in disease. Therefore, it has been classified as a Variant of Uncertain Significance. Algorithms developed to predict the effect of missense changes on protein structure and function are either unavailable or do not agree on the potential impact of this missense change (SIFT: "Tolerated"; PolyPhen-2: "Not Available"; Align-GVGD: "Class C0"). This variant has not been reported in the literature in individuals affected with PRSS56-related conditions. This variant is not present in population databases (gnomAD no frequency). This sequence change replaces arginine, which is basic and polar, with proline, which is neutral and non-polar, at codon 392 of the PRSS56 protein (p.Arg392Pro).